The following is an entry in ClinVar:

ClinVar aggregate classification (germline): Uncertain significance (1 of 4 stars; one submission).

Submission:

Labcorp Genetics (formerly Invitae), Labcorp
Classification: Uncertain significance. Last evaluated: 2023-11-07. Review status: criteria provided, single submitter. Criteria: Invitae Variant Classification Sherloc (09022015). Collection method: clinical testing. Allele origin: germline.
Comment: This sequence change creates a premature translational stop signal (p.Asp780Thrfs*5) in the CACNA2D4 gene. It is expected to result in an absent or disrupted protein product. However, the current clinical and genetic evidence is not sufficient to establish whether loss-of-function variants in CACNA2D4 cause disease. This variant is present in population databases (rs746362568, gnomAD 0.03%). This variant has not been reported in the literature in individuals affected with CACNA2D4-related conditions. ClinVar contains an entry for this variant (Variation ID: 2140150). Experimental studies and prediction algorithms are not available or were not evaluated, and the functional significance of this variant is currently unknown. In summary, the available evidence is currently insufficient to determine the role of this variant in disease. Therefore, it has been classified as a Variant of Uncertain Significance.

NM_172364.5(CACNA2D4):c.2337del (p.Asp780fs)

Gene: CACNA2D4 (calcium voltage-gated channel auxiliary subunit alpha2delta 4; minus strand). Cytogenetic location: 12p13.33.
Variant type: Deletion.
Coding change: c.2337del on transcript NM_172364.5 (MANE Select); coding-DNA position 2337, one base deleted (C; older notation c.2337delC).
Protein change: p.Asp780fs; shifts the reading frame from aspartic acid 780.
Molecular consequence: frameshift variant.
Genome position (GRCh38, 1-based): chr12:1,846,599, G deleted on the plus strand (C on the coding strand, the reverse complement: CACNA2D4 is on the minus strand); the first of 2 consecutive G bases (chr12:1,846,599-1,846,600); deleting either gives the same sequence. VCF-style (leftmost placement, unchanged base first): chr12-1846598-CG-C. GRCh37 (hg19) VCF-style: chr12-1955764-CG-C.
Other names: short protein forms D780fs.
Identifiers: ClinVar variation 2140150 (VCV002140150.4), dbSNP rs746362568, ClinGen allele CA6386743.